The following is an entry in ClinVar:

NM_001003841.3(SLC6A19):c.589A>G (p.Met197Val)

Gene: SLC6A19 (solute carrier family 6 member 19; plus strand). Cytogenetic location: 5p15.33.
Variant type: single nucleotide variant.
Coding change: c.589A>G on transcript NM_001003841.3 (MANE Select); coding-DNA position 589, A replaced by G.
Protein change: p.Met197Val; replaces methionine 197 with valine.
Molecular consequence: missense variant.
Genome position (GRCh38, 1-based): chr5:1,212,410, A>G. VCF-style: chr5-1212410-A-G. GRCh37 (hg19) VCF-style: chr5-1212525-A-G.
Other names: short protein forms M197V.
Identifiers: ClinVar variation 2415671 (VCV002415671.6), dbSNP rs1192895329, ClinGen allele CA359066536.

ClinVar aggregate classification (germline): Uncertain significance (1 of 4 stars; one submission).

Allele frequency attached by ClinVar (database versions not stated): gnomAD exomes below 0.00001; gnomAD 0.00001; TOPMed 0.00001.

Submission:

Labcorp Genetics (formerly Invitae), Labcorp
Classification: Uncertain significance. Last evaluated: 2022-03-18. Review status: criteria provided, single submitter. Criteria: Invitae Variant Classification Sherloc (09022015). Collection method: clinical testing. Allele origin: germline.
Comment: In summary, the available evidence is currently insufficient to determine the role of this variant in disease. Therefore, it has been classified as a Variant of Uncertain Significance. Advanced modeling of protein sequence and biophysical properties (such as structural, functional, and spatial information, amino acid conservation, physicochemical variation, residue mobility, and thermodynamic stability) performed at Invitae indicates that this missense variant is expected to disrupt SLC6A19 protein function. This variant has not been reported in the literature in individuals affected with SLC6A19-related conditions. This variant is not present in population databases (gnomAD no frequency). This sequence change replaces methionine, which is neutral and non-polar, with valine, which is neutral and non-polar, at codon 197 of the SLC6A19 protein (p.Met197Val).